The following is an entry in ClinVar:

ClinVar aggregate classification (germline): Benign. Review status: criteria provided, single submitter (1 of 4 stars). 2 submissions from 2 submitters: Benign (1). 1 of the submissions does not count toward it. Last evaluated 2025-12-17.

Conditions:
GPR101-related disorder. Also called: GPR101-related condition.

Allele frequency attached by ClinVar (database versions not stated): gnomAD exomes 0.00012 and 0.00031; ExAC 0.00041; 1000 Genomes Project 30x 0.00042; 1000 Genomes Project 0.00053; ESP Exome Variant Server 0.00133; gnomAD 0.00136 and 0.00145; TOPMed 0.00144.
gnomAD v4.1: 294 of 1,208,041 alleles (0.024%); highest among the groups gnomAD compares: African/African-American, 0.45%; 1 homozygote.

Submissions (2):

Labcorp Genetics (formerly Invitae), Labcorp
Classification: Benign. Last evaluated: 2025-12-17. Review status: criteria provided, single submitter. Criteria: Invitae Variant Classification Sherloc (09022015). Collection method: clinical testing. Allele origin: germline.

PreventionGenetics, part of Exact Sciences
Classification: Likely benign for GPR101-related condition. Last evaluated: 2023-04-28. Review status: no assertion criteria provided. Collection method: clinical testing. Allele origin: germline. Not counted in ClinVar's aggregate classification.
Comment: This variant is classified as likely benign based on ACMG/AMP sequence variant interpretation guidelines (Richards et al. 2015 PMID: 25741868, with internal and published modifications).

NM_054021.2(GPR101):c.1294C>T (p.Pro432Ser)

Gene: GPR101 (G protein-coupled receptor 101; minus strand). Cytogenetic location: Xq26.3.
Variant type: single nucleotide variant.
Coding change: c.1294C>T on transcript NM_054021.2 (MANE Select); coding-DNA position 1294, C replaced by T.
Protein change: p.Pro432Ser; replaces proline 432 with serine.
Molecular consequence: missense variant.
Genome position (GRCh38, 1-based): chrX:137,030,381, G>A on the plus strand (C>T on the coding strand, the complement: GPR101 is on the minus strand). VCF-style: chrX-137030381-G-A. GRCh37 (hg19) VCF-style: chrX-136112540-G-A.
Other names: c.1294C>T (NM_054021.1); short protein forms P432S.
Identifiers: ClinVar variation 1590841 (VCV001590841.10), dbSNP rs114879480, ClinGen allele CA10529066.